The following is an entry in ClinVar:

ClinVar aggregate classification (germline): Benign/Likely benign. Review status: criteria provided, multiple submitters, no conflicts (2 of 4 stars). 7 submissions from 7 submitters: Benign (3); Likely benign (4). Last evaluated 2026-05-01.

Conditions:
Hypercalcemia, infantile, 2 (HCINF2). Identifiers: Orphanet 300547, MedGen C4310473, MONDO:0014851, OMIM 616963.
Hypophosphatemic nephrolithiasis/osteoporosis 1. Identifiers: Orphanet 244305, MedGen C2676786, MONDO:0012850, OMIM 612286.
Fanconi renotubular syndrome 2 (FRTS2). Identifiers: MedGen C3150652, MONDO:0013247, OMIM 613388.

Allele frequency attached by ClinVar (database versions not stated): 1000 Genomes Project 30x 0.00094; 1000 Genomes Project 0.00120; TOPMed 0.00244; ESP Exome Variant Server 0.00338; gnomAD 0.01364.

Submissions (7):

CeGaT Center for Human Genetics Tuebingen
Classification: Likely benign. Last evaluated: 2026-05-01. Review status: criteria provided, single submitter. Criteria: CeGaT Center For Human Genetics Tuebingen Variant Classification Criteria Version 2. Collection method: clinical testing. Allele origin: germline. Affected: yes. Observed: 10 variant alleles.
Comment: SLC34A1: BP4, BS2

Labcorp Genetics (formerly Invitae), Labcorp
Classification: Benign. Last evaluated: 2026-02-01. Review status: criteria provided, single submitter. Criteria: Invitae Variant Classification Sherloc (09022015). Collection method: clinical testing. Allele origin: germline.

Blueprint Genetics
Classification: Likely benign. Last evaluated: 2024-11-21. Review status: criteria provided, single submitter. Criteria: ACMG Guidelines, 2015. Collection method: clinical testing. Allele origin: germline.

Fulgent Genetics
Classification: Benign for Hypophosphatemic nephrolithiasis/osteoporosis 1; Fanconi renotubular syndrome 2; Hypercalcemia, infantile, 2. Last evaluated: 2021-09-30. Review status: criteria provided, single submitter. Criteria: ACMG Guidelines, 2015. Collection method: clinical testing. Allele origin: unknown.

GeneDx
Classification: Likely benign. Last evaluated: 2021-01-05. Review status: criteria provided, single submitter. Criteria: GeneDx Variant Classification Process June 2021. Collection method: clinical testing. Allele origin: germline. Affected: yes.

Illumina Laboratory Services, Illumina
Classification: Benign for Hypophosphatemic nephrolithiasis/osteoporosis 1. Last evaluated: 2018-01-12. Review status: criteria provided, single submitter. Criteria: ICSL Variant Classification Criteria 13 December 2019. Collection method: clinical testing. Allele origin: germline.
Comment: This variant was observed in the ICSL laboratory as part of a predisposition screen in an ostensibly healthy population. It had not been previously curated by ICSL or reported in the Human Gene Mutation Database (HGMD: prior to June 1st, 2018), and was therefore a candidate for classification through an automated scoring system. Utilizing variant allele frequency, disease prevalence and penetrance estimates, and inheritance mode, an automated score was calculated to assess if this variant is too frequent to cause the disease. Based on the score and internal cut-off values, a variant classified as benign is not then subjected to further curation. The score for this variant resulted in a classification of benign for this disease.

Breakthrough Genomics
Classification: Likely benign. Review status: criteria provided, single submitter. Criteria: ACMG Guidelines, 2015. Collection method: not provided. Allele origin: germline. Inheritance: Autosomal recessive inheritance. Affected: yes.

NM_003052.5(SLC34A1):c.389-5C>T

Gene: SLC34A1 (solute carrier family 34 member 1; plus strand). Cytogenetic location: 5q35.3.
Variant type: single nucleotide variant.
Coding change: c.389-5C>T on transcript NM_003052.5 (MANE Select); 5 bases into the intron before coding-DNA position 389, C replaced by T.
Molecular consequence: intron variant.
Genome position (GRCh38, 1-based): chr5:177,386,418, C>T. VCF-style: chr5-177386418-C-T. GRCh37 (hg19) VCF-style: chr5-176813419-C-T.
Other names: c.389-5C>T (NM_001167579.2).
Identifiers: ClinVar variation 352959 (VCV000352959.43), dbSNP rs189794265, ClinGen allele CA3580372.